The following is an entry in ClinVar:

NM_000038.6(APC):c.870T>C (p.Ser290=)

Gene: APC (APC regulator of Wnt signaling pathway; plus strand). Cytogenetic location: 5q22.2.
Variant type: single nucleotide variant.
Coding change: c.870T>C on transcript NM_000038.6 (MANE Select); coding-DNA position 870, T replaced by C.
Protein change: p.Ser290=; no amino-acid change (serine 290 retained).
Molecular consequence: synonymous variant.
Genome position (GRCh38, 1-based): chr5:112,815,530, T>C. VCF-style: chr5-112815530-T-C. GRCh37 (hg19) VCF-style: chr5-112151227-T-C.
Other names: c.870T>C, p.Ser290= (NM_001127510.3, NM_001354895.2, NM_001354896.2 and 1 more transcripts); c.816T>C, p.Ser272= (NM_001127511.3); c.900T>C, p.Ser300= (NM_001354897.2, NM_001354902.2); c.795T>C, p.Ser265= (NM_001354898.2, NM_001354904.2); c.786T>C, p.Ser262= (NM_001354899.2); c.693T>C, p.Ser231= (NM_001354900.2, NM_001354901.2, NM_001354905.2); c.21T>C, p.Ser7= (NM_001354906.2).
Identifiers: ClinVar variation 215574 (VCV000215574.17), dbSNP rs863224289, ClinGen allele CA335771.

ClinVar aggregate classification (germline): Benign/Likely benign. Review status: criteria provided, multiple submitters, no conflicts (2 of 4 stars). 6 submissions from 6 submitters: Benign (1); Likely benign (5). Last evaluated 2025-04-01.

Conditions:
Hereditary cancer-predisposing syndrome. Also called: Hereditary neoplastic syndrome; Neoplastic Syndromes, Hereditary; Tumor predisposition; Hereditary Cancer Syndrome. Identifiers: Orphanet 140162, MedGen C0027672, MeSH D009386, MONDO:0015356.
Familial adenomatous polyposis 1 (FAP1). Also called: POLYPOSIS, ADENOMATOUS INTESTINAL; FAMILIAL ADENOMATOUS POLYPOSIS 1, ATTENUATED. Identifiers: MedGen C2713442, MONDO:0021056, OMIM 175100. Disease mechanism: loss of function.
Classic or attenuated familial adenomatous polyposis. Identifiers: MedGen CN372698, MONDO:0021057.

Allele frequency attached by ClinVar (database versions not stated): gnomAD exomes below 0.00001.
gnomAD v4.1: 3 of 1,612,462 alleles (0.00019%); highest among the groups gnomAD compares: Non-Finnish European, 0.00025%; no homozygotes.

Submissions (6):

Labcorp Genetics (formerly Invitae), Labcorp
Classification: Likely benign for Familial adenomatous polyposis 1. Last evaluated: 2025-04-01. Review status: criteria provided, single submitter. Criteria: Invitae Variant Classification Sherloc (09022015). Collection method: clinical testing. Allele origin: germline.

Myriad Genetics, Inc.
Classification: Benign for Familial adenomatous polyposis 1. Last evaluated: 2024-02-27. Review status: criteria provided, single submitter. Criteria: Myriad Autosomal Dominant, Autosomal Recessive and X-Linked Classification Criteria (2023). Collection method: clinical testing. Allele origin: unknown.
Comment: This variant is considered benign. This variant is a silent/synonymous amino acid change and it is not expected to impact splicing.

All of Us Research Program, National Institutes of Health
Classification: Likely benign for Classic or attenuated familial adenomatous polyposis. Last evaluated: 2023-12-07. Review status: criteria provided, single submitter. Criteria: ACMG Guidelines, 2015. Collection method: clinical testing. Allele origin: germline. Inheritance: Autosomal dominant inheritance. Observed: 7 variant alleles, 7 heterozygotes.
Comment: This study involves interpretation of variants in research participants for the purpose of population health screening. Participant phenotype was not available at the time of variant classification. Additional details can be found in publication PMID: 35346344, PMCID: PMC8962531

Ambry Genetics
Classification: Likely benign for Hereditary cancer-predisposing syndrome. Last evaluated: 2017-12-19. Review status: criteria provided, single submitter. Criteria: Ambry Variant Classification Scheme 2023. Collection method: clinical testing. Allele origin: germline.

Color Diagnostics, LLC DBA Color Health
Classification: Likely benign for Hereditary cancer-predisposing syndrome. Last evaluated: 2017-09-28. Review status: criteria provided, single submitter. Criteria: ACMG Guidelines, 2015. Collection method: clinical testing. Allele origin: germline.

GeneDx
Classification: Likely benign. Last evaluated: 2017-05-08. Review status: criteria provided, single submitter. Criteria: GeneDx Variant Classification (06012015). Collection method: clinical testing. Allele origin: germline. Affected: yes.
Comment: This variant is considered likely benign or benign based on one or more of the following criteria: it is a conservative change, it occurs at a poorly conserved position in the protein, it is predicted to be benign by multiple in silico algorithms, and/or has population frequency not consistent with disease.